The following is an entry in ClinVar:

ClinVar aggregate classification (germline): Benign/Likely benign. Review status: criteria provided, multiple submitters, no conflicts (2 of 4 stars). 8 submissions from 7 submitters: Benign (3); Likely benign (4). 1 of the submissions does not count toward it. Last evaluated 2026-03-01.

Conditions:
Rothmund-Thomson syndrome type 2 (RTS2). Identifiers: Orphanet 221016, MedGen C5203410, MONDO:0016369, OMIM 268400.
RECQL4-related disorder. Also called: RECQL4-related condition; RECQL4-related disorders.
Hereditary cancer-predisposing syndrome. Also called: Tumor predisposition; Hereditary neoplastic syndrome; Hereditary Cancer Syndrome; Neoplastic Syndromes, Hereditary. Identifiers: Orphanet 140162, MedGen C0027672, MeSH D009386, MONDO:0015356.
Baller-Gerold syndrome (BGS). Also called: CRANIOSYNOSTOSIS WITH RADIAL DEFECTS. Identifiers: Orphanet 1225, MedGen C0265308, MONDO:0009039, OMIM 218600.
Rapadilino syndrome. Identifiers: Orphanet 3021, MedGen C1849453, MONDO:0009955, OMIM 266280.

Allele frequency attached by ClinVar (database versions not stated): gnomAD 0.00006; TOPMed 0.00006; ExAC 0.00034.

Submissions (8):

CeGaT Center for Human Genetics Tuebingen
Classification: Likely benign. Last evaluated: 2026-03-01. Review status: criteria provided, single submitter. Criteria: CeGaT Center For Human Genetics Tuebingen Variant Classification Criteria Version 2. Collection method: clinical testing. Allele origin: germline. Affected: yes. Observed: 1 variant allele.
Comment: RECQL4: BP4, BP7

Labcorp Genetics (formerly Invitae), Labcorp
Classification: Benign for Baller-Gerold syndrome. Last evaluated: 2026-01-19. Review status: criteria provided, single submitter. Criteria: Invitae Variant Classification Sherloc (09022015). Collection method: clinical testing. Allele origin: germline.

KCCC/NGS Laboratory, Kuwait Cancer Control Center
Classification: Benign for Rapadilino syndrome. Last evaluated: 2025-02-01. Review status: criteria provided, single submitter. Criteria: ACMG Guidelines, 2015. Collection method: clinical testing. Allele origin: germline. Affected: no.

Blueprint Genetics
Classification: Likely benign. Last evaluated: 2024-04-03. Review status: criteria provided, single submitter. Criteria: ACMG Guidelines, 2015. Collection method: clinical testing. Allele origin: germline.

KCCC/NGS Laboratory, Kuwait Cancer Control Center
Classification: Likely benign for Rothmund-Thomson syndrome type 2. Last evaluated: 2023-07-07. Review status: criteria provided, single submitter. Criteria: ACMG Guidelines, 2015. Collection method: clinical testing. Allele origin: germline. Affected: yes.

Sema4
Classification: Likely benign for Hereditary cancer-predisposing syndrome. Last evaluated: 2021-07-16. Review status: criteria provided, single submitter. Criteria: Sema4 Curation Guidelines. Collection method: curation. Allele origin: germline.

Breakthrough Genomics
Classification: Benign. Review status: criteria provided, single submitter. Criteria: ACMG Guidelines, 2015. Collection method: not provided. Allele origin: germline. Inheritance: Autosomal recessive inheritance. Affected: yes.

PreventionGenetics, part of Exact Sciences
Classification: Likely benign for RECQL4-related condition. Last evaluated: 2022-02-16. Review status: no assertion criteria provided. Collection method: clinical testing. Allele origin: germline. Not counted in ClinVar's aggregate classification.
Comment: This variant is classified as likely benign based on ACMG/AMP sequence variant interpretation guidelines (Richards et al. 2015 PMID: 25741868, with internal and published modifications).

NM_004260.4(RECQL4):c.2634C>A (p.Pro878=)

Gene: RECQL4 (RecQ like helicase 4; minus strand). Cytogenetic location: 8q24.3.
Variant type: single nucleotide variant.
Coding change: c.2634C>A on transcript NM_004260.4 (MANE Select); coding-DNA position 2634, C replaced by A.
Protein change: p.Pro878=; no amino-acid change (proline 878 retained).
Molecular consequence: synonymous variant.
Genome position (GRCh38, 1-based): chr8:144,512,968, G>T on the plus strand (C>A on the coding strand, the complement: RECQL4 is on the minus strand). VCF-style: chr8-144512968-G-T. GRCh37 (hg19) VCF-style: chr8-145738351-G-T.
Identifiers: ClinVar variation 414198 (VCV000414198.21), dbSNP rs769166199, ClinGen allele CA4948163.